The following is an entry in ClinVar:

NM_001369369.1(FOXN1):c.470C>A (p.Ala157Asp)

Gene: FOXN1 (forkhead box N1; plus strand). Cytogenetic location: 17q11.2.
Variant type: single nucleotide variant.
Coding change: c.470C>A on transcript NM_001369369.1 (MANE Select); coding-DNA position 470, C replaced by A.
Protein change: p.Ala157Asp; replaces alanine 157 with aspartic acid.
Molecular consequence: missense variant.
Genome position (GRCh38, 1-based): chr17:28,524,849, C>A. VCF-style: chr17-28524849-C-A. GRCh37 (hg19) VCF-style: chr17-26851867-C-A.
Other names: c.470C>A, p.Ala157Asp (NM_003593.3); short protein forms A157D.
Identifiers: ClinVar variation 2725757 (VCV002725757.3), dbSNP rs2508358350, ClinGen allele CA398321773.
Genomic context (GRCh38, chr17:28,524,849, plus strand): 5'-AGGCCGAGACCACCCTGGCCCTCAAAGGACACTCCTTTAAGACCCCAGGGCCGCTGGAGG[C>A]CTTCGAGGAGATCCCAGTGGACGTGGCGGAGGCCGAGGCCTTCCTGCCTGGCTTCTCAGC-3'
Protein context (NP_001356298.1, residues 147-167): HSFKTPGPLE[Ala157Asp]FEEIPVDVAE

ClinVar aggregate classification (germline): Uncertain significance (1 of 4 stars; one submission).

Conditions:
T-cell immunodeficiency, congenital alopecia, and nail dystrophy. Also called: Congenital alopecia and nail dystrophy associated with severe functional T-cell immunodeficiency; Pignata Guarino syndrome. Identifiers: Orphanet 169095, MedGen C1866426, MONDO:0011132, OMIM 601705.

gnomAD v4.1: 1 of 1,613,786 alleles (0.000062%); highest among the groups gnomAD compares: South Asian, 0.0011%; no homozygotes.

Submission:

Labcorp Genetics (formerly Invitae), Labcorp
Classification: Uncertain significance for T-cell immunodeficiency, congenital alopecia, and nail dystrophy. Last evaluated: 2023-06-14. Review status: criteria provided, single submitter. Criteria: Invitae Variant Classification Sherloc (09022015). Collection method: clinical testing. Allele origin: germline.
Comment: In summary, the available evidence is currently insufficient to determine the role of this variant in disease. Therefore, it has been classified as a Variant of Uncertain Significance. Advanced modeling of protein sequence and biophysical properties (such as structural, functional, and spatial information, amino acid conservation, physicochemical variation, residue mobility, and thermodynamic stability) performed at Invitae indicates that this missense variant is not expected to disrupt FOXN1 protein function. This variant has not been reported in the literature in individuals affected with FOXN1-related conditions. This variant is not present in population databases (gnomAD no frequency). This sequence change replaces alanine, which is neutral and non-polar, with aspartic acid, which is acidic and polar, at codon 157 of the FOXN1 protein (p.Ala157Asp).